The following is an entry in ClinVar:

NM_024426.6(WT1):c.736A>G (p.Asn246Asp)

Gene: WT1 (WT1 transcription factor; minus strand). Cytogenetic location: 11p13.
Variant type: single nucleotide variant.
Coding change: c.736A>G on transcript NM_024426.6 (MANE Select); coding-DNA position 736, A replaced by G.
Protein change: p.Asn246Asp; replaces asparagine 246 with aspartic acid.
Molecular consequence: missense variant. On other transcripts: non-coding transcript variant (1).
Genome position (GRCh38, 1-based): chr11:32,428,545, T>C on the plus strand (A>G on the coding strand, the complement: WT1 is on the minus strand). VCF-style: chr11-32428545-T-C. GRCh37 (hg19) VCF-style: chr11-32450091-T-C.
Other names: c.736A>G, p.Asn246Asp (NM_000378.6, NM_001407044.1, NM_001407045.1 and 4 more transcripts); c.85A>G, p.Asn29Asp (NM_001198551.2, NM_001198552.2); c.-27A>G (NM_001407051.1); c.721A>G, p.Asn241Asp (NM_024425.2); short protein forms N246D, N29D.
Identifiers: ClinVar variation 581447 (VCV000581447.17), dbSNP rs1285224919, ClinGen allele CA379963376.

ClinVar aggregate classification (germline): Uncertain significance. Review status: criteria provided, multiple submitters, no conflicts (2 of 4 stars). 7 submissions from 7 submitters: Uncertain significance (7). Last evaluated 2024-12-08.

Conditions:
Wilms tumor 1 (WT1). Also called: Wilms tumor, somatic. Identifiers: Orphanet 654, MedGen CN033288, MONDO:0008679, OMIM 194070.
11p partial monosomy syndrome (WAGR). Also called: WAGR Complex; WAGR Spectrum Disorder; WAGR syndrome; CHROMOSOME 11p13 DELETION SYNDROME. Identifiers: Orphanet 893, MedGen C0206115, MONDO:0008681, OMIM 194072.
Drash syndrome (DDS). Also called: NEPHROPATHY, WILMS TUMOR, AND GENITAL ANOMALIES; WILMS TUMOR AND PSEUDO- OR TRUE HERMAPHRODITISM. Identifiers: Orphanet 220, MedGen C0950121, MONDO:0008682, OMIM 194080.
Frasier syndrome. Identifiers: Orphanet 347, MedGen C0950122, MeSH D052159, MONDO:0007635, OMIM 136680.
Inborn genetic diseases. Identifiers: MedGen C0950123, MeSH D030342.
Meacham syndrome. Also called: Meacham Winn Culler syndrome. Identifiers: Orphanet 3097, MedGen C1837026, MONDO:0012164, OMIM 608978.
Mesothelioma, malignant (MESOM). Also called: Malignant mesothelioma (disease). Identifiers: Orphanet 50251, MedGen C0345967, MONDO:0006292, OMIM 156240, HP:0100001.
Nephrotic syndrome, type 4 (NPHS4). Also called: Familial mesangial sclerosis; Nephrotic syndrome, early onset with diffuse mesangial sclerosis. Identifiers: Orphanet 656, MedGen C3151568, MONDO:0009733, OMIM 256370.

Allele frequency attached by ClinVar (database versions not stated): gnomAD exomes 0.00001; gnomAD 0.00002; TOPMed 0.00002.
gnomAD v4.1: 17 of 1,613,942 alleles (0.0011%); highest among the groups gnomAD compares: Non-Finnish European, 0.0014%; no homozygotes.

Submissions (7):

Ambry Genetics
Classification: Uncertain significance for Inborn genetic diseases. Last evaluated: 2024-12-08. Review status: criteria provided, single submitter. Criteria: Ambry Variant Classification Scheme 2023. Collection method: clinical testing. Allele origin: germline.
Comment: The p.N241D variant (also known as c.721A>G), located in coding exon 2 of the WT1 gene, results from an A to G substitution at nucleotide position 721. The asparagine at codon 241 is replaced by aspartic acid, an amino acid with highly similar properties. This amino acid position is conserved. In addition, this alteration is predicted to be tolerated by in silico analysis. Based on the available evidence, the clinical significance of this variant remains unclear.

Fulgent Genetics
Classification: Uncertain significance for Frasier syndrome; Mesothelioma, malignant; Wilms tumor 1; Drash syndrome; Nephrotic syndrome, type 4; Meacham syndrome. Last evaluated: 2024-06-17. Review status: criteria provided, single submitter. Criteria: ACMG Guidelines, 2015. Collection method: clinical testing. Allele origin: germline.

Color Diagnostics, LLC DBA Color Health
Classification: Uncertain significance for Wilms tumor 1. Last evaluated: 2023-10-09. Review status: criteria provided, single submitter. Criteria: ACMG Guidelines, 2015. Collection method: clinical testing. Allele origin: germline.
Comment: This missense variant replaces asparagine with aspartic acid at codon 241 of the WT1 protein. Computational prediction suggests that this variant may not impact protein structure and function. To our knowledge, functional studies have not been reported for this variant. This variant has not been reported in individuals affected with WT1-related disorders in the literature. This variant has not been identified in the general population by the Genome Aggregation Database (gnomAD). The available evidence is insufficient to determine the role of this variant in disease conclusively. Therefore, this variant is classified as a Variant of Uncertain Significance.

Baylor Genetics
Classification: Uncertain significance for Drash syndrome. Last evaluated: 2023-09-27. Review status: criteria provided, single submitter. Criteria: ACMG Guidelines, 2015. Collection method: clinical testing. Allele origin: unknown.

Labcorp Genetics (formerly Invitae), Labcorp
Classification: Uncertain significance for Wilms tumor 1; Drash syndrome; 11p partial monosomy syndrome; Frasier syndrome. Last evaluated: 2023-08-25. Review status: criteria provided, single submitter. Criteria: Invitae Variant Classification Sherloc (09022015). Collection method: clinical testing. Allele origin: germline.
Comment: This sequence change replaces asparagine, which is neutral and polar, with aspartic acid, which is acidic and polar, at codon 241 of the WT1 protein (p.Asn241Asp). This variant is present in population databases (no rsID available, gnomAD 0.007%). This variant has not been reported in the literature in individuals affected with WT1-related conditions. ClinVar contains an entry for this variant (Variation ID: 581447). An algorithm developed to predict the effect of missense changes on protein structure and function (PolyPhen-2) suggests that this variant¬†is likely to be tolerated. In summary, the available evidence is currently insufficient to determine the role of this variant in disease. Therefore, it has been classified as a Variant of Uncertain Significance.

GeneDx
Classification: Uncertain significance. Last evaluated: 2023-06-13. Review status: criteria provided, single submitter. Criteria: GeneDx Variant Classification Process June 2021. Collection method: clinical testing. Allele origin: germline. Affected: yes.
Comment: Not observed at significant frequency in large population cohorts (gnomAD); In silico analysis supports that this missense variant does not alter protein structure/function; Has not been previously published as pathogenic or benign to our knowledge; This variant is associated with the following publications: (PMID: 26496393, 8486616)

St. Jude Molecular Pathology, St. Jude Children's Research Hospital
Classification: Uncertain significance for Wilms tumor 1. Last evaluated: 2022-05-02. Review status: criteria provided, single submitter. Criteria: St. Jude Assertion Criteria 2020. Collection method: clinical testing. Allele origin: germline.
Comment: The WT1 c.721A>G (p.Asn241Asp) missense change has a maximum subpopulation frequency of 0.0065% gnomAD v2.1.1 (PM2_supporting). In silico tools are inconclusive about the effect of this variant on protein function, and to our knowledge functional assays have not been performed. To our knowledge, this variant has not been reported in individuals with WT1-related conditions. In summary, this variant meets criteria to be classified as of uncertain significance based on the ACMG/AMP criteria: PM2_supporting.